The following is an entry in ClinVar:

ClinVar aggregate classification (germline): Uncertain significance (1 of 4 stars; one submission).

gnomAD v4.1: 1 of 1,613,868 alleles (0.000062%); highest among the groups gnomAD compares: African/African-American, 0.0013%; no homozygotes.

Submission:

Labcorp Genetics (formerly Invitae), Labcorp
Classification: Uncertain significance. Last evaluated: 2022-08-05. Review status: criteria provided, single submitter. Criteria: Invitae Variant Classification Sherloc (09022015). Collection method: clinical testing. Allele origin: germline.
Comment: This sequence change replaces alanine, which is neutral and non-polar, with threonine, which is neutral and polar, at codon 711 of the FAT1 protein (p.Ala711Thr). This variant is not present in population databases (gnomAD no frequency). This variant has not been reported in the literature in individuals affected with FAT1-related conditions. Algorithms developed to predict the effect of missense changes on protein structure and function output the following: SIFT: "Tolerated"; PolyPhen-2: "Benign"; Align-GVGD: "Class C0". The threonine amino acid residue is found in multiple mammalian species, which suggests that this missense change does not adversely affect protein function. In summary, the available evidence is currently insufficient to determine the role of this variant in disease. Therefore, it has been classified as a Variant of Uncertain Significance.

NM_005245.4(FAT1):c.2131G>A (p.Ala711Thr)

Gene: FAT1 (FAT atypical cadherin 1; minus strand). Cytogenetic location: 4q35.2.
Variant type: single nucleotide variant.
Coding change: c.2131G>A on transcript NM_005245.4 (MANE Select); coding-DNA position 2131, G replaced by A.
Protein change: p.Ala711Thr; replaces alanine 711 with threonine.
Molecular consequence: missense variant.
Genome position (GRCh38, 1-based): chr4:186,707,697, C>T on the plus strand (G>A on the coding strand, the complement: FAT1 is on the minus strand). VCF-style: chr4-186707697-C-T. GRCh37 (hg19) VCF-style: chr4-187628851-C-T.
Other names: short protein forms A711T.
Identifiers: ClinVar variation 1918534 (VCV001918534.5), dbSNP rs543637454, ClinGen allele CA112181615.